The following is an entry in ClinVar:

NM_004415.4(DSP):c.7200A>C (p.Glu2400Asp)

Gene: DSP (desmoplakin; plus strand). Cytogenetic location: 6p24.3.
Variant type: single nucleotide variant.
Coding change: c.7200A>C on transcript NM_004415.4 (MANE Select); coding-DNA position 7200, A replaced by C.
Protein change: p.Glu2400Asp; replaces glutamic acid 2400 with aspartic acid.
Molecular consequence: missense variant.
Genome position (GRCh38, 1-based): chr6:7,584,462, A>C. VCF-style: chr6-7584462-A-C. GRCh37 (hg19) VCF-style: chr6-7584695-A-C.
Other names: c.5403A>C, p.Glu1801Asp (NM_001008844.3); c.5871A>C, p.Glu1957Asp (NM_001319034.2); short protein forms E1801D, E1957D, E2400D.
Identifiers: ClinVar variation 926990 (VCV000926990.19), dbSNP rs1209240894, ClinGen allele CA362692460.
Genomic context (GRCh38, chr6:7,584,462, plus strand): 5'-AAAGGAGAGCCATCGTTTACCAGTTGACATAGCATATAAGAGGGGCTATTTCAATGAGGA[A>C]CTCAGTGAGATTCTCTCAGATCCAAGTGATGATACCAAAGGATTTTTTGACCCCAACACT-3'
Protein context (NP_004406.2, residues 2390-2410): IAYKRGYFNE[Glu2400Asp]LSEILSDPSD

ClinVar aggregate classification (germline): Uncertain significance. Review status: criteria provided, multiple submitters, no conflicts (2 of 4 stars). 3 submissions from 3 submitters: Uncertain significance (3). Last evaluated 2026-02-01.

Conditions:
Arrhythmogenic right ventricular dysplasia 8 (ARVD8). Also called: Arrhythmogenic Right Ventricular Dysplasia/Cardiomyopathy 8; ARRHYTHMOGENIC RIGHT VENTRICULAR DYSPLASIA, FAMILIAL, 8; ARRHYTHMOGENIC RIGHT VENTRICULAR CARDIOMYOPATHY 8. Identifiers: MedGen C1843896, MONDO:0011831, OMIM 607450.
Arrhythmogenic cardiomyopathy with wooly hair and keratoderma. Also called: PALMOPLANTAR KERATODERMA WITH LEFT VENTRICULAR CARDIOMYOPATHY AND WOOLLY HAIR; Carvajal syndrome; Dilated cardiomyopathy with woolly hair and keratoderma; Arrhythmogenic cardiomyopathy with woolly hair and keratoderma. Identifiers: Orphanet 65282, MedGen C1854063, MONDO:0011581, OMIM 605676.
Cardiomyopathy (CMYO). Also called: Cardiomyopathies. Identifiers: Orphanet 167848, MedGen C0878544, MONDO:0004994, HP:0001638. Inheritance: Various modes of inheritance.
Cardiovascular phenotype. Identifiers: MedGen CN230736.

Allele frequency attached by ClinVar (database versions not stated): gnomAD exomes 0.00001; gnomAD 0.00002; TOPMed 0.00002.
gnomAD v4.1: 21 of 1,614,056 alleles (0.0013%); highest among the groups gnomAD compares: Non-Finnish European, 0.0016%; no homozygotes.

Submissions (3):

Labcorp Genetics (formerly Invitae), Labcorp
Classification: Uncertain significance for Arrhythmogenic cardiomyopathy with wooly hair and keratoderma; Arrhythmogenic right ventricular dysplasia 8. Last evaluated: 2026-02-01. Review status: criteria provided, single submitter. Criteria: Invitae Variant Classification Sherloc (09022015). Collection method: clinical testing. Allele origin: germline.
Comment: This sequence change replaces glutamic acid, which is acidic and polar, with aspartic acid, which is acidic and polar, at codon 2400 of the DSP protein (p.Glu2400Asp). This variant is present in population databases (no rsID available, gnomAD 0.007%). This variant has not been reported in the literature in individuals affected with DSP-related conditions. ClinVar contains an entry for this variant (Variation ID: 926990). An algorithm developed to predict the effect of missense changes on protein structure and function (PolyPhen-2) suggests that this variant is likely to be disruptive. In summary, the available evidence is currently insufficient to determine the role of this variant in disease. Therefore, it has been classified as a Variant of Uncertain Significance.

Ambry Genetics
Classification: Uncertain significance for Cardiovascular phenotype. Last evaluated: 2025-07-22. Review status: criteria provided, single submitter. Criteria: Ambry Variant Classification Scheme 2023. Collection method: clinical testing. Allele origin: germline.
Comment: The p.E2400D variant (also known as c.7200A>C), located in coding exon 24 of the DSP gene, results from an A to C substitution at nucleotide position 7200. The glutamic acid at codon 2400 is replaced by aspartic acid, an amino acid with highly similar properties. This amino acid position is highly conserved in available vertebrate species. In addition, the in silico prediction for this alteration is inconclusive. Based on the available evidence, the clinical significance of this variant remains unclear.

Color Diagnostics, LLC DBA Color Health
Classification: Uncertain significance for Cardiomyopathy. Last evaluated: 2024-03-06. Review status: criteria provided, single submitter. Criteria: ACMG Guidelines, 2015. Collection method: clinical testing. Allele origin: germline.
Comment: This missense variant replaces glutamic acid with aspartic acid at codon 2400 of the DSP protein. Computational prediction is inconclusive regarding the impact of this variant on protein structure and function (internally defined REVEL score threshold 0.5 < inconclusive < 0.7, PMID: 27666373). To our knowledge, functional studies have not been reported for this variant. This variant has not been reported in individuals affected with cardiovascular disorders in the literature. This variant has been identified in 1/31400 chromosomes in the general population by the Genome Aggregation Database (gnomAD). The available evidence is insufficient to determine the role of this variant in disease conclusively. Therefore, this variant is classified as a Variant of Uncertain Significance.